The following is an entry in ClinVar:

ClinVar aggregate classification (germline): Uncertain significance. Review status: criteria provided, multiple submitters, no conflicts (2 of 4 stars). 5 submissions from 5 submitters: Uncertain significance (5). Last evaluated 2026-01-13.

Conditions:
Inborn genetic diseases. Identifiers: MedGen C0950123, MeSH D030342.
Cortical dysplasia-focal epilepsy syndrome (PTHSL1). Also called: Pitt-Hopkins-like syndrome 1. Identifiers: Orphanet 163681, Orphanet 221150, MedGen C2750246, MONDO:0012400, OMIM 610042.

Allele frequency attached by ClinVar (database versions not stated): gnomAD exomes 0.00002 and 0.00008; ExAC 0.00006; gnomAD 0.00011 and 0.00013; ESP Exome Variant Server 0.00015; 1000 Genomes Project 0.00020; TOPMed 0.00020.
gnomAD v4.1: 58 of 1,613,716 alleles (0.0036%); highest among the groups gnomAD compares: African/African-American, 0.044%; no homozygotes.

Submissions (5):

Labcorp Genetics (formerly Invitae), Labcorp
Classification: Uncertain significance for Cortical dysplasia-focal epilepsy syndrome. Last evaluated: 2026-01-13. Review status: criteria provided, single submitter. Criteria: Invitae Variant Classification Sherloc (09022015). Collection method: clinical testing. Allele origin: germline.
Comment: This sequence change replaces valine, which is neutral and non-polar, with alanine, which is neutral and non-polar, at codon 211 of the CNTNAP2 protein (p.Val211Ala). This variant is present in population databases (rs367652115, gnomAD 0.05%). This variant has not been reported in the literature in individuals affected with CNTNAP2-related conditions. ClinVar contains an entry for this variant (Variation ID: 205309). An algorithm developed to predict the effect of missense changes on protein structure and function (PolyPhen-2) suggests that this variant is likely to be tolerated. In summary, the available evidence is currently insufficient to determine the role of this variant in disease. Therefore, it has been classified as a Variant of Uncertain Significance.

Ambry Genetics
Classification: Uncertain significance for Inborn genetic diseases. Last evaluated: 2025-03-26. Review status: criteria provided, single submitter. Criteria: Ambry Variant Classification Scheme 2023. Collection method: clinical testing. Allele origin: germline.

ARUP Laboratories, Molecular Genetics and Genomics, ARUP Laboratories
Classification: Uncertain significance. Last evaluated: 2024-11-22. Review status: criteria provided, single submitter. Criteria: ARUP Molecular Germline Variant Investigation Process 2024. Collection method: clinical testing. Allele origin: germline.

GeneDx
Classification: Uncertain significance. Last evaluated: 2024-11-20. Review status: criteria provided, single submitter. Criteria: GeneDx Variant Classification Process June 2021. Collection method: clinical testing. Allele origin: germline. Affected: yes.
Comment: In silico analysis indicates that this missense variant does not alter protein structure/function; Has not been previously published as pathogenic or benign to our knowledge

Blueprint Genetics
Classification: Uncertain significance. Last evaluated: 2021-12-23. Review status: criteria provided, single submitter. Criteria: ACMG Guidelines, 2015. Collection method: clinical testing. Allele origin: germline.

NM_014141.6(CNTNAP2):c.632T>C (p.Val211Ala)

Gene: CNTNAP2 (contactin associated protein 2; plus strand). Cytogenetic location: 7q35.
Variant type: single nucleotide variant.
Coding change: c.632T>C on transcript NM_014141.6 (MANE Select); coding-DNA position 632, T replaced by C.
Protein change: p.Val211Ala; replaces valine 211 with alanine.
Molecular consequence: missense variant.
Genome position (GRCh38, 1-based): chr7:147,108,228, T>C. VCF-style: chr7-147108228-T-C. GRCh37 (hg19) VCF-style: chr7-146805320-T-C.
Other names: p.V211A:GTC>GCC; short protein forms V211A.
Identifiers: ClinVar variation 205309 (VCV000205309.17), dbSNP rs367652115, ClinGen allele CA314251.